The following is an entry in ClinVar:

ClinVar aggregate classification (germline): Likely benign (1 of 4 stars; one submission).

Submission:

CeGaT Center for Human Genetics Tuebingen
Classification: Likely benign. Last evaluated: 2024-10-01. Review status: criteria provided, single submitter. Criteria: CeGaT Center For Human Genetics Tuebingen Variant Classification Criteria Version 2. Collection method: clinical testing. Allele origin: germline. Affected: yes. Observed: 1 variant allele.
Comment: POU4F1: BP3, BS2

NM_006237.4(POU4F1):c.516_536del (p.168GGGPGGG[1])

Genes: OBI1-AS1 (OBI1 antisense RNA 1; plus strand), POU4F1 (POU class 4 homeobox 1; minus strand). Cytogenetic location: 13q31.1.
Variant type: Deletion.
Coding change: c.516_536del on transcript NM_006237.4 (MANE Select); coding-DNA positions 516 to 536, 21 bases deleted (GGGCGGCGGCGGCGGCCCGGG).
Protein change: p.168GGGPGGG[1].
Molecular consequence: inframe deletion.
Genome position (GRCh38, 1-based): chr13:78,602,139-78,602,159, CCCGGGCCGCCGCCGCCGCCC deleted on the plus strand (GGGCGGCGGCGGCGGCCCGGG on the coding strand, the reverse complement: POU4F1 is on the minus strand); deleting any 21 consecutive bases within chr13:78,602,139-78,602,170 gives the same sequence; the c. name uses the placement nearest the transcript's 3' end. VCF-style (leftmost placement, unchanged base first): chr13-78602138-GCCCGGGCCGCCGCCGCCGCCC-G. GRCh37 (hg19) VCF-style: chr13-79176273-GCCCGGGCCGCCGCCGCCGCCC-G.
Identifiers: ClinVar variation 3388626 (VCV003388626.14).
Genomic context (GRCh38, chr13:78,602,138, plus strand): 5'-CAGGTGGCCCAGGCTGTGCATATGCGGGTGAGGGTGCGCGGAGCCGCCCAGGAGCCCGCC[GCCCGGGCCGCCGCCGCCGCCC>G]CCCGGGCCGCCACCGCCGCCTCCCCCGGGGCCGCCGCCCGGGCCGCCGCCGCCGCCCGGG-3'